The following is an entry in ClinVar:

ClinVar aggregate classification (germline): Pathogenic/Likely pathogenic. Review status: criteria provided, multiple submitters, no conflicts (2 of 4 stars). 2 submissions from 2 submitters: Pathogenic (1); Likely pathogenic (1). Last evaluated 2023-11-02.

Conditions:
Alpha-1-antitrypsin deficiency (A1ATD). Also called: AAT deficiency; A1AT deficiency; Alpha1-Antitrypsin Deficiency. Identifiers: Orphanet 60, MedGen C0221757, MONDO:0013282, OMIM 613490.

Submissions (2):

Labcorp Genetics (formerly Invitae), Labcorp
Classification: Pathogenic for Alpha-1-antitrypsin deficiency. Last evaluated: 2023-11-02. Review status: criteria provided, single submitter. Criteria: Invitae Variant Classification Sherloc (09022015). Collection method: clinical testing. Allele origin: germline.
Comment: This sequence change creates a premature translational stop signal (p.Gln28Argfs*52) in the SERPINA1 gene. It is expected to result in an absent or disrupted protein product. Loss-of-function variants in SERPINA1 are known to be pathogenic (PMID: 25425243). This variant is not present in population databases (gnomAD no frequency). This variant has not been reported in the literature in individuals affected with SERPINA1-related conditions. ClinVar contains an entry for this variant (Variation ID: 2155461). For these reasons, this variant has been classified as Pathogenic.

Laboratory for Molecular Medicine, Mass General Brigham Personalized Medicine
Classification: Likely pathogenic for Alpha-1-antitrypsin deficiency. Last evaluated: 2022-06-30. Review status: criteria provided, single submitter. Criteria: ACMG Guidelines, 2015. Collection method: clinical testing. Allele origin: germline.
Comment: The p.Gln28fs variant in SERPINA1 has not been reported in individuals with SERPINA1-related phenotypes including alpha-1 antitrypsin deficiency, and was absent from large population studies. This variant is predicted to cause a frameshift, which alters the protein’s amino acid sequence beginning at position 28 and leads to a premature termination codon 58 amino acids downstream. Loss of function of the SERPINA1 gene is an established disease mechanism in autosomal recessive alpha-1 antitrypsin deficiency. In summary, although additional studies are required to fully establish its clinical significance, this variant meets criteria to be classified as likely pathogenic for autosomal recessive alpha-1 antitrypsin deficiency. ACMG/AMP Criteria applied: PVS1, PM2_P.

Literature cited by the submitters: PubMed 25425243 (cited by Labcorp Genetics (formerly Invitae), Labcorp).

NM_000295.5(SERPINA1):c.82del (p.Gln28fs)

Gene: SERPINA1 (serpin family A member 1; minus strand). Cytogenetic location: 14q32.13.
Variant type: Deletion.
Coding change: c.82del on transcript NM_000295.5 (MANE Select); coding-DNA position 82, one base deleted (C; older notation c.82delC).
Protein change: p.Gln28fs; shifts the reading frame from glutamine 28.
Molecular consequence: frameshift variant.
Genome position (GRCh38, 1-based): chr14:94,383,156, G deleted on the plus strand (C on the coding strand, the reverse complement: SERPINA1 is on the minus strand); the first of 4 consecutive G bases (chr14:94,383,156-94,383,159); deleting any one gives the same sequence. VCF-style (leftmost placement, unchanged base first): chr14-94383155-TG-T. GRCh37 (hg19) VCF-style: chr14-94849492-TG-T.
Other names: c.82del, p.Gln28fs (NM_001002235.3, NM_001002236.3, NM_001127700.2 and 7 more transcripts); short protein forms Q28fs.
Identifiers: ClinVar variation 2155461 (VCV002155461.5), dbSNP rs2504784138, ClinGen allele CA487841376.
Genomic context (GRCh38, chr14:94,383,155, plus strand): 5'-TTGAAGGTTGGGTGATCCTGATCATGGTGGGATGTATCTGTCTTCTGGGCAGCATCTCCC[TG>T]GGGATCCTCAGCCAGGGAGACAGGGACCAGGCAGCACAGGCCTGCCAGCAGGAGGATGCC-3'